The following is an entry in ClinVar:

ClinVar aggregate classification (germline): Pathogenic/Likely pathogenic. Review status: criteria provided, multiple submitters, no conflicts (2 of 4 stars). 8 submissions from 8 submitters: Pathogenic (3); Likely pathogenic (5). Last evaluated 2026-07-13.

Conditions:
Autosomal recessive PDZD7-related disorders.
Inborn genetic diseases. Identifiers: MedGen C0950123, MeSH D030342.
PDZD7-related disorder. Also called: PDZD7-related disorders; PDZD7-related condition.
Hearing loss, autosomal recessive 57. Also called: DEAFNESS, AUTOSOMAL RECESSIVE 57. Identifiers: MedGen C4693893, MONDO:0033201, OMIM 618003.

Submissions (8):

PreventionGenetics, part of Exact Sciences
Classification: Likely pathogenic for PDZD7-related condition. Last evaluated: 2026-07-13. Review status: criteria provided, single submitter. Criteria: ACMG Guidelines, 2015. Collection method: clinical testing. Allele origin: germline.
Comment: The PDZD7 c.2089delG variant is predicted to result in a frameshift and premature protein termination (p.Ala697Profs*26). To our knowledge, this variant has not been reported in the literature or in a large population database (gnomAD), indicating this variant is rare. This variant is reported in 0.17% of alleles in individuals of Latino descent in gnomAD. Frameshift variants in PDZD7 are expected to be pathogenic. This variant is interpreted as likely pathogenic.

Labcorp Genetics (formerly Invitae), Labcorp
Classification: Pathogenic. Last evaluated: 2026-01-26. Review status: criteria provided, single submitter. Criteria: Invitae Variant Classification Sherloc (09022015). Collection method: clinical testing. Allele origin: germline.
Comment: This sequence change creates a premature translational stop signal (p.Ala697Profs*26) in the PDZD7 gene. It is expected to result in an absent or disrupted protein product. Loss-of-function variants in PDZD7 are known to be pathogenic (PMID: 20440071). This variant is present in population databases (no rsID available, gnomAD 0.2%). This variant has not been reported in the literature in individuals affected with PDZD7-related conditions. ClinVar contains an entry for this variant (Variation ID: 915843). For these reasons, this variant has been classified as Pathogenic.

GeneDx
Classification: Pathogenic. Last evaluated: 2025-06-29. Review status: criteria provided, single submitter. Criteria: GeneDx Variant Classification Process June 2021. Collection method: clinical testing. Allele origin: germline. Affected: yes.
Comment: Frameshift variant predicted to result in protein truncation or nonsense mediated decay in a gene for which loss of function is a known mechanism of disease; Has not been previously published as pathogenic or benign to our knowledge; This variant is associated with the following publications: (PMID: 20440071)

Variantyx, Inc.
Classification: Likely pathogenic for Autosomal recessive PDZD7-related disorders. Last evaluated: 2025-03-25. Review status: criteria provided, single submitter. Criteria: Variantyx Assertion Criteria 2022. Collection method: clinical testing. Allele origin: germline.
Comment: This is a frameshift variant in the PDZD7 gene (OMIM: 612971). Pathogenic variants in this gene have been associated with autosomal recessive PDZD7-related disorders. This variant introduces a premature termination codon in exon 15 out of 17. It is expected to result in loss of function, which is a known disease mechanism for PDZD7 in this disorder (PMID: 20440071) (PVS1). This variant has a 0.1020% maximum allele frequency in non-founder control populations (PM2_Supporting). Based on the current evidence, this variant is classified as likely pathogenic for autosomal recessive PDZD7-related disorders.

Blueprint Genetics
Classification: Likely pathogenic for PDZD7-related disorders. Last evaluated: 2023-06-07. Review status: criteria provided, single submitter. Criteria: ACMG Guidelines, 2015. Collection method: clinical testing. Allele origin: germline. Affected: yes. Observed: 5 variant alleles.

Greenwood Genetic Center Diagnostic Laboratories, Greenwood Genetic Center
Classification: Likely pathogenic for Hearing loss, autosomal recessive 57. Last evaluated: 2021-04-01. Review status: criteria provided, single submitter. Criteria: ACMG Guidelines, 2015. Collection method: clinical testing. Allele origin: germline. Affected: yes.
Comment: PVS1, PM2

Ambry Genetics
Classification: Pathogenic for Inborn genetic diseases. Last evaluated: 2020-04-07. Review status: criteria provided, single submitter. Criteria: Ambry Variant Classification Scheme 2023. Collection method: clinical testing. Allele origin: germline.
Comment: The c.2089delG (p.A697Pfs*26) alteration, located in exon 15 (coding exon 14) of the PDZD7 gene, consists of a deletion of one nucleotide at position 2089, causing a translational frameshift with a predicted alternate stop codon after 26 amino acids. Frameshift alterations are typically deleterious in nature (Richards, 2015). The alteration is rare in population databases: Based on data from the Genome Aggregation Database (gnomAD), the c.2089delG alteration was observed in 0.027% (44/162436) of total alleles studied, with a frequency of 0.17% (44/25210) in the Latino subpopulation. Based on the available evidence, this alteration is classified as pathogenic.

Molecular Diagnostics Laboratory, M Health Fairview: University of Minnesota
Classification: Likely pathogenic for Hearing loss, autosomal recessive 57. Last evaluated: 2020-02-18. Review status: criteria provided, single submitter. Criteria: ACMG Guidelines, 2015. Collection method: clinical testing. Allele origin: germline. Affected: yes. Observed: 1 variant allele.

Literature cited by the submitters: PubMed 20440071 (cited by Labcorp Genetics (formerly Invitae), Labcorp).

NM_001195263.2(PDZD7):c.2089del (p.Ala697fs)

Gene: PDZD7 (PDZ domain containing 7; minus strand). Cytogenetic location: 10q24.31.
Variant type: Deletion.
Coding change: c.2089del on transcript NM_001195263.2 (MANE Select); coding-DNA position 2089, one base deleted (G; older notation c.2089delG).
Protein change: p.Ala697fs; shifts the reading frame from alanine 697.
Molecular consequence: frameshift variant.
Genome position (GRCh38, 1-based): chr10:101,010,800, C deleted on the plus strand (G on the coding strand, the reverse complement: PDZD7 is on the minus strand); the first of 5 consecutive C bases (chr10:101,010,800-101,010,804); deleting any one gives the same sequence. VCF-style (leftmost placement, unchanged base first): chr10-101010799-GC-G. GRCh37 (hg19) VCF-style: chr10-102770556-GC-G.
Other names: c.2089delG (NM_001195263.1); short protein forms A697fs.
Identifiers: ClinVar variation 915843 (VCV000915843.24), dbSNP rs1055318738, ClinGen allele CA212978889.
Genomic context (GRCh38, chr10:101,010,799, plus strand): 5'-AGAGGGGGGATCCCTTTATGGGGGTGGCGAGGGGCAGAGGCACTTGGGGAGACCTTGAGG[GC>G]CCCCAGCCGCTCCCTCAGCTCCCCATTATCTTCCTCTTCCGGGAAGCCGTTCACCGGCAG-3'